The following is an entry in ClinVar:

NM_003873.7(NRP1):c.1775C>T (p.Pro592Leu)

Gene: NRP1 (neuropilin 1; minus strand). Cytogenetic location: 10p11.22.
Variant type: single nucleotide variant.
Coding change: c.1775C>T on transcript NM_003873.7 (MANE Select); coding-DNA position 1775, C replaced by T.
Protein change: p.Pro592Leu; replaces proline 592 with leucine.
Molecular consequence: missense variant. On other transcripts: non-coding transcript variant (1), intron variant (1).
Genome position (GRCh38, 1-based): chr10:33,202,980, G>A on the plus strand (C>T on the coding strand, the complement: NRP1 is on the minus strand). VCF-style: chr10-33202980-G-A. GRCh37 (hg19) VCF-style: chr10-33491908-G-A.
Other names: c.1775C>T, p.Pro592Leu (NM_001024628.3, NM_001244972.2, NM_001244973.2 and 1 more transcripts); c.1759+4592C>T (NM_001024629.3); short protein forms P592L.
Identifiers: ClinVar variation 3352187 (VCV003352187.1).

ClinVar aggregate classification (germline): Uncertain significance (0 of 4 stars; one submission).

Conditions:
NRP1-related disorder. Also called: NRP1-related condition.

gnomAD v4.1: 12 of 1,613,468 alleles (0.00074%); highest among the groups gnomAD compares: East Asian, 0.013%; no homozygotes.

Submission:

PreventionGenetics, part of Exact Sciences
Classification: Uncertain significance for NRP1-related condition. Last evaluated: 2024-04-30. Review status: no assertion criteria provided. Collection method: clinical testing. Allele origin: germline.
Comment: The NRP1 c.1775C>T variant is predicted to result in the amino acid substitution p.Pro592Leu. To our knowledge, this variant has not been reported in the literature. This variant is reported in 0.011% of alleles in individuals of East Asian descent in gnomAD. At this time, the clinical significance of this variant is uncertain due to the absence of conclusive functional and genetic evidence.